The following is an entry in ClinVar:

ClinVar aggregate classification (germline): Uncertain significance. Review status: criteria provided, single submitter (1 of 4 stars). 2 submissions from 2 submitters: Uncertain significance (1). 1 of the submissions does not count toward it. Last evaluated 2026-03-04.

Conditions:
TECTA-related disorder. Also called: TECTA-related condition.

Submissions (2):

GeneDx
Classification: Uncertain significance. Last evaluated: 2026-03-04. Review status: criteria provided, single submitter. Criteria: GeneDx Variant Classification Process June 2021. Collection method: clinical testing. Allele origin: germline.
Comment: Not observed at significant frequency in large population cohorts (gnomAD); In silico analysis suggests that this missense variant does not alter protein structure/function; Has not been previously published as pathogenic or benign to our knowledge

PreventionGenetics, part of Exact Sciences
Classification: Uncertain significance for TECTA-related condition. Last evaluated: 2024-09-09. Review status: no assertion criteria provided. Collection method: clinical testing. Allele origin: germline. Not counted in ClinVar's aggregate classification.
Comment: The TECTA c.6232G>A variant is predicted to result in the amino acid substitution p.Gly2078Arg. To our knowledge, this variant has not been reported in the literature or in a large population database indicating this variant is rare. At this time, the clinical significance of this variant is uncertain due to the absence of conclusive functional and genetic evidence.

NM_005422.4(TECTA):c.6232G>A (p.Gly2078Arg)

Genes: TBCEL-TECTA (TBCEL-TECTA readthrough; plus strand), TECTA (tectorin alpha; plus strand). Cytogenetic location: 11q23.3.
Variant type: single nucleotide variant.
Coding change: c.6232G>A on transcript NM_005422.4 (MANE Select); coding-DNA position 6232, G replaced by A.
Protein change: p.Gly2078Arg; replaces glycine 2078 with arginine.
Molecular consequence: missense variant.
Genome position (GRCh38, 1-based): chr11:121,189,149, G>A. VCF-style: chr11-121189149-G-A. GRCh37 (hg19) VCF-style: chr11-121059858-G-A.
Other names: c.7174G>A, p.Gly2392Arg (NM_001378761.1); short protein forms G2078R, G2392R.
Identifiers: ClinVar variation 3344928 (VCV003344928.2).